The following is an entry in ClinVar:

NM_002907.4(RECQL):c.1218_1356-518del

Gene: RECQL (RecQ like helicase; minus strand). Cytogenetic location: 12p12.1.
Variant type: Deletion.
Coding change: c.1218_1356-518del on transcript NM_002907.4 (MANE Select); coding-DNA position 1218 through 518 bases into the intron before coding-DNA position 1356, 819 bases deleted.
Molecular consequence: splice donor variant.
Genome position (GRCh38, 1-based): chr12:21,474,160-21,474,978, 819 bases deleted. GRCh37 (hg19): chr12:21,627,094-21,627,912.
Other names: c.1218_1356-518del (NM_032941.3).
Identifiers: ClinVar variation 2700423 (VCV002700423.3), dbSNP rs2540337638, ClinGen allele CA2697559130.

ClinVar aggregate classification (germline): Uncertain significance (1 of 4 stars; one submission).

Submission:

Labcorp Genetics (formerly Invitae), Labcorp
Classification: Uncertain significance. Last evaluated: 2023-05-23. Review status: criteria provided, single submitter. Criteria: Invitae Variant Classification Sherloc (09022015). Collection method: clinical testing. Allele origin: germline.
Comment: In summary, the available evidence is currently insufficient to determine the role of this variant in disease. Therefore, it has been classified as a Variant of Uncertain Significance. This variant has not been reported in the literature in individuals affected with RECQL-related conditions. This variant is not present in population databases (gnomAD no frequency). This variant results in the deletion of part of exon 11 (c.1218_1356-518del) of the RECQL gene. It is expected to disrupt RNA splicing. Variants that disrupt the donor or acceptor splice site typically lead to a loss of protein function (PMID: 16199547), however the current clinical and genetic evidence is not sufficient to establish whether loss-of-function variants in RECQL cause disease.

Literature cited by the submitters: PubMed 16199547.